The following is an entry in ClinVar:

NC_000009.11:g.(?_14801630)_(14859502_?)del

Gene: FREM1 (FRAS1 related extracellular matrix 1; minus strand). Cytogenetic location: 9p22.3.
Variant type: Deletion.
Identifiers: ClinVar variation 2427317 (VCV002427317.4).

ClinVar aggregate classification (germline): Pathogenic (1 of 4 stars; one submission).

Submission:

Labcorp Genetics (formerly Invitae), Labcorp
Classification: Pathogenic. Last evaluated: 2022-08-10. Review status: criteria provided, single submitter. Criteria: Invitae Variant Classification Sherloc (09022015). Collection method: clinical testing. Allele origin: germline.
Comment: For these reasons, this variant has been classified as Pathogenic. This variant has not been reported in the literature in individuals affected with FREM1-related conditions. This variant is a gross deletion of the genomic region encompassing exon(s) 5-21 of the FREM1 gene. This deletion is out-of-frame, and is expected to create a premature termination codon and result in an absent or disrupted protein product. Loss-of-function variants in FREM1 are known to be pathogenic (PMID: 19732862, 21507892).

Literature cited by the submitters: PubMed 19732862; PubMed 21507892.